The following is an entry in ClinVar:

NM_006662.3(SRCAP):c.8152C>T (p.Arg2718Ter)

Gene: SRCAP (Snf2 related CREBBP activator protein; plus strand). Cytogenetic location: 16p11.2.
Variant type: single nucleotide variant.
Coding change: c.8152C>T on transcript NM_006662.3 (MANE Select); coding-DNA position 8152, C replaced by T.
Protein change: p.Arg2718Ter; replaces arginine 2718 with a stop codon.
Molecular consequence: nonsense.
Genome position (GRCh38, 1-based): chr16:30,738,192, C>T. VCF-style: chr16-30738192-C-T. GRCh37 (hg19) VCF-style: chr16-30749513-C-T.
Other names: short protein forms R2718*.
Identifiers: ClinVar variation 2713188 (VCV002713188.4), dbSNP rs2506730506, ClinGen allele CA395636326.

ClinVar aggregate classification (germline): Pathogenic/Likely pathogenic. Review status: criteria provided, multiple submitters, no conflicts (2 of 4 stars). 2 submissions from 2 submitters: Pathogenic (1); Likely pathogenic (1). Last evaluated 2023-06-03.

Conditions:
Developmental delay, hypotonia, musculoskeletal defects, and behavioral abnormalities. Identifiers: MedGen C5562012, MONDO:0859202, OMIM 619595.
Floating-Harbor syndrome (FLHS). Also called: Short stature with delayed bone age, expressive language delay, a triangular face with a prominent nose and deep-set eyes; Pelletier-Leisti syndrome; SRCAP-Related Floating-Harbor Syndrome. Identifiers: Orphanet 2044, MedGen C0729582, MONDO:0007621, OMIM 136140.

Allele frequency attached by ClinVar (database versions not stated): gnomAD exomes below 0.00001.
gnomAD v4.1: 1 of 1,614,172 alleles (0.000062%); highest among the groups gnomAD compares: Non-Finnish European, 0.000085%; no homozygotes.

Submissions (2):

Labcorp Genetics (formerly Invitae), Labcorp
Classification: Pathogenic. Last evaluated: 2023-06-03. Review status: criteria provided, single submitter. Criteria: Invitae Variant Classification Sherloc (09022015). Collection method: clinical testing. Allele origin: germline.
Comment: This variant has not been reported in the literature in individuals affected with SRCAP-related conditions. This variant is not present in population databases (gnomAD no frequency). This sequence change creates a premature translational stop signal (p.Arg2718*) in the SRCAP gene. While this is not anticipated to result in nonsense mediated decay, it is expected to disrupt the last 513 amino acid(s) of the SRCAP protein. This variant disrupts a region of the SRCAP protein in which other variant(s) (p.Gln3043Alafs*9) have been determined to be pathogenic (PMID: 33909990). This suggests that this is a clinically significant region of the protein, and that variants that disrupt it are likely to be disease-causing. For these reasons, this variant has been classified as Pathogenic.

Molecular Genetics Department, Kulakov National Medical Research Center for Obstetrics, Gynecology and Perinatology
Classification: Likely pathogenic for Floating-Harbor syndrome; Developmental delay, hypotonia, musculoskeletal defects, and behavioral abnormalities. Review status: criteria provided, single submitter. Criteria: ACMG Guidelines, 2015. Collection method: clinical testing. Allele origin: germline. Affected: yes. Observed: 1 variant allele.
Comment: A previously undescribed heterozygous nucleotide variant creates a premature translation stop signal p.Arg2718Ter in the SRCAP gene. Heterozygous variants are reported in patients with developmental delay, hypotonia, musculoskeletal defects, and behavioral abnormalities, 619595; Floating-Harbor syndrome, 136140. The variant frequency in population database gnomAD is 0.00006%. In summary, the currently available evidence indicates that the variant is pathogenic, but additional data are needed to prove that conclusively. Therefore, this variant has been classified as likely pathogenic.

Literature cited by the submitters: PubMed 33909990 (cited by Labcorp Genetics (formerly Invitae), Labcorp).